The following is an entry in ClinVar:

ClinVar aggregate classification (germline): Benign/Likely benign. Review status: criteria provided, multiple submitters, no conflicts (2 of 4 stars). 3 submissions from 3 submitters: Benign (1); Likely benign (2). Last evaluated 2019-12-31.

Conditions:
Long QT syndrome (LQTS). Identifiers: MedGen C0023976, MeSH D008133, MONDO:0002442. Disease mechanism: loss of function. Inheritance: Various modes of inheritance.

Allele frequency attached by ClinVar (database versions not stated): gnomAD exomes 0.00076 and 0.00176; ExAC 0.00213; ESP Exome Variant Server 0.00602; 1000 Genomes Project 0.00699; gnomAD 0.00759 and 0.00825; 1000 Genomes Project 30x 0.00781; TOPMed 0.00857.
gnomAD v4.1: 2,082 of 1,318,120 alleles (0.16%); highest among the groups gnomAD compares: African/African-American, 2.6%; 31 homozygotes.

Submissions (3):

Labcorp Genetics (formerly Invitae), Labcorp
Classification: Benign for Long QT syndrome. Last evaluated: 2019-12-31. Review status: criteria provided, single submitter. Criteria: Invitae Variant Classification Sherloc (09022015). Collection method: clinical testing. Allele origin: germline.

GeneDx
Classification: Likely benign. Last evaluated: 2018-06-16. Review status: criteria provided, single submitter. Criteria: GeneDx Variant Classification (06012015). Collection method: clinical testing. Allele origin: germline. Affected: yes.
Comment: This variant is considered likely benign or benign based on one or more of the following criteria: it is a conservative change, it occurs at a poorly conserved position in the protein, it is predicted to be benign by multiple in silico algorithms, and/or has population frequency not consistent with disease.

Breakthrough Genomics
Classification: Likely benign. Review status: criteria provided, single submitter. Criteria: ACMG Guidelines, 2015. Collection method: not provided. Allele origin: germline. Inheritance: Autosomal dominant inheritance. Affected: yes.

NM_000719.7(CACNA1C):c.1114-438T>G

Gene: CACNA1C (calcium voltage-gated channel subunit alpha1 C; plus strand). Cytogenetic location: 12p13.33.
Variant type: single nucleotide variant.
Coding change: c.1114-438T>G on transcript NM_000719.7 (MANE Select); 438 bases into the intron before coding-DNA position 1114, T replaced by G.
Molecular consequence: intron variant.
Genome position (GRCh38, 1-based): chr12:2,504,404, T>G. VCF-style: chr12-2504404-T-G. GRCh37 (hg19) VCF-style: chr12-2613570-T-G.
Other names: c.1114-32T>G (NM_001167624.3, NM_001167623.2, NM_001167625.2 and 1 more transcripts); c.1114-438T>G (NM_199460.4, NM_001129827.2, NM_001129832.2 and 14 more transcripts); c.1105-438T>G (NM_001129844.2).
Identifiers: ClinVar variation 675526 (VCV000675526.6), dbSNP rs148469662, ClinGen allele CA6388618.
Genomic context (GRCh38, chr12:2,504,404, plus strand): 5'-TGTCCCCTCCCAATCTGCTCACACCTGCTGCCTGCCTCTTTGCTGTAACCCAATTCTGCT[T>G]CTTCTTTCCTAACTTTCCTTCGTCTTTCCAGATGCAGGACGCTATGGGCTATGAGTTACC-3'